The following is an entry in ClinVar:

ClinVar aggregate classification (germline): Uncertain significance. Review status: criteria provided, multiple submitters, no conflicts (2 of 4 stars). 2 submissions from 2 submitters: Uncertain significance (2). Last evaluated 2025-10-23.

Conditions:
Charcot-Marie-Tooth disease type 2. Also called: Charcot-Marie-Tooth type 2. Identifiers: Orphanet 64746, MedGen C0270914, MONDO:0018993.

Allele frequency attached by ClinVar (database versions not stated): TOPMed below 0.00001; gnomAD 0.00001.
gnomAD v4.1: 1 of 1,611,928 alleles (0.000062%); highest among the groups gnomAD compares: Admixed American, 0.0017%; no homozygotes.

Submissions (2):

Ambry Genetics
Classification: Uncertain significance. Last evaluated: 2025-10-23. Review status: criteria provided, single submitter. Criteria: Ambry Variant Classification Scheme 2023. Collection method: clinical testing. Allele origin: germline.
Comment: The p.K664Q variant (also known as c.1990A>C), located in coding exon 20 of the KIF1B gene, results from an A to C substitution at nucleotide position 1990. The lysine at codon 664 is replaced by glutamine, an amino acid with similar properties. This amino acid position is conserved. In addition, the in silico prediction for this alteration is inconclusive. Since supporting evidence is limited at this time, the clinical significance of this alteration remains unclear.

Labcorp Genetics (formerly Invitae), Labcorp
Classification: Uncertain significance for Charcot-Marie-Tooth disease type 2. Last evaluated: 2024-09-10. Review status: criteria provided, single submitter. Criteria: Invitae Variant Classification Sherloc (09022015). Collection method: clinical testing. Allele origin: germline.
Comment: This sequence change replaces lysine, which is basic and polar, with glutamine, which is neutral and polar, at codon 664 of the KIF1B protein (p.Lys664Gln). This variant is not present in population databases (gnomAD no frequency). This variant has not been reported in the literature in individuals affected with KIF1B-related conditions. ClinVar contains an entry for this variant (Variation ID: 2448739). An algorithm developed to predict the effect of missense changes on protein structure and function (PolyPhen-2) suggests that this variant is likely to be disruptive. In summary, the available evidence is currently insufficient to determine the role of this variant in disease. Therefore, it has been classified as a Variant of Uncertain Significance.

NM_001365951.3(KIF1B):c.2128A>C (p.Lys710Gln)

Gene: KIF1B (kinesin family member 1B; plus strand). Cytogenetic location: 1p36.22.
Variant type: single nucleotide variant.
Coding change: c.2128A>C on transcript NM_001365951.3 (MANE Select); coding-DNA position 2128, A replaced by C.
Protein change: p.Lys710Gln; replaces lysine 710 with glutamine.
Molecular consequence: missense variant.
Genome position (GRCh38, 1-based): chr1:10,320,055, A>C. VCF-style: chr1-10320055-A-C. GRCh37 (hg19) VCF-style: chr1-10380113-A-C.
Other names: c.2128A>C, p.Lys710Gln (NM_001365952.1); c.1990A>C, p.Lys664Gln (NM_015074.3); short protein forms K664Q, K710Q.
Identifiers: ClinVar variation 2448739 (VCV002448739.5), dbSNP rs1651460804, ClinGen allele CA338332254.
Genomic context (GRCh38, chr1:10,320,055, plus strand): 5'-TCTTATTTCTTCCCTCTCCTACATGTTATCTCCTTTCTTTTCATTCAGGACTATGAGAGT[A>C]AATTGCAGGCCTTGCAGAAGCAGGTTGAAACCCGATCTCTGGCTGCAGAAACAACTGAAG-3'
Protein context (NP_001352880.1, residues 700-720): LEQQRLDYES[Lys710Gln]LQALQKQVET